The following is an entry in ClinVar:

NM_002691.4(POLD1):c.2440T>A (p.Phe814Ile)

Gene: POLD1 (DNA polymerase delta 1, catalytic subunit; plus strand). Cytogenetic location: 19q13.33.
Variant type: single nucleotide variant.
Coding change: c.2440T>A on transcript NM_002691.4 (MANE Select); coding-DNA position 2440, T replaced by A.
Protein change: p.Phe814Ile; replaces phenylalanine 814 with isoleucine.
Molecular consequence: missense variant. On other transcripts: non-coding transcript variant (1).
Genome position (GRCh38, 1-based): chr19:50,414,866, T>A. VCF-style: chr19-50414866-T-A. GRCh37 (hg19) VCF-style: chr19-50918123-T-A.
Other names: c.2440T>A, p.Phe814Ile (NM_001256849.1); c.2518T>A, p.Phe840Ile (NM_001308632.1); short protein forms F814I, F840I.
Identifiers: ClinVar variation 3421950 (VCV003421950.1).

ClinVar aggregate classification (germline): Uncertain significance (1 of 4 stars; one submission).

Conditions:
Hereditary cancer-predisposing syndrome. Also called: Neoplastic Syndromes, Hereditary; Tumor predisposition; Hereditary Cancer Syndrome; Hereditary neoplastic syndrome. Identifiers: Orphanet 140162, MedGen C0027672, MeSH D009386, MONDO:0015356.

Submission:

Ambry Genetics
Classification: Uncertain significance for Hereditary cancer-predisposing syndrome. Last evaluated: 2024-08-08. Review status: criteria provided, single submitter. Criteria: Ambry Variant Classification Scheme 2023. Collection method: clinical testing. Allele origin: germline.
Comment: The p.F814I variant (also known as c.2440T>A), located in coding exon 19 of the POLD1 gene, results from a T to A substitution at nucleotide position 2440. The phenylalanine at codon 814 is replaced by isoleucine, an amino acid with highly similar properties. This amino acid position is conserved. In addition, this alteration is predicted to be tolerated by in silico analysis. Based on the available evidence, the clinical significance of this variant remains unclear.